The following is an entry in ClinVar:

NM_002180.3(IGHMBP2):c.2436del (p.Ala813fs)

Gene: IGHMBP2 (immunoglobulin mu DNA binding protein 2; plus strand). Cytogenetic location: 11q13.3.
Variant type: Deletion.
Coding change: c.2436del on transcript NM_002180.3 (MANE Select); coding-DNA position 2436, one base deleted (T; older notation c.2436delT).
Protein change: p.Ala813fs; shifts the reading frame from alanine 813.
Molecular consequence: frameshift variant.
Genome position (GRCh38, 1-based): chr11:68,936,916, T deleted. VCF-style (leftmost placement, unchanged base first): chr11-68936915-CT-C. GRCh37 (hg19) VCF-style: chr11-68704383-CT-C.
Other names: c.2436delT (NM_002180.2); short protein forms A813fs.
Identifiers: ClinVar variation 637261 (VCV000637261.4), dbSNP rs1594456890, ClinGen allele CA915948221.

ClinVar aggregate classification (germline): Conflicting classifications of pathogenicity. Review status: no assertion criteria provided (0 of 4 stars). 2 submissions from 2 submitters: Pathogenic (1); Uncertain significance (1). Last evaluated 2022-07-13.

Conditions:
Charcot-Marie-Tooth disease axonal type 2S. Also called: CHARCOT-MARIE-TOOTH DISEASE, AXONAL, AUTOSOMAL RECESSIVE, TYPE 2S; CHARCOT-MARIE-TOOTH NEUROPATHY, TYPE 2S. Identifiers: Orphanet 443073, MedGen C4015349, MONDO:0014511, OMIM 616155.
Neuronopathy, distal hereditary motor, autosomal dominant. Also called: Autosomal dominant distal hereditary motor neuropathy. Identifiers: Orphanet 140465, MedGen C5548212, MONDO:0015362.

Submissions (2):

Center for Human Genetics and Genomic Medicine, Uniklinik Rwth Aachen
Classification: Pathogenic for Charcot-Marie-Tooth disease axonal type 2S. Last evaluated: 2022-07-13. Review status: no assertion criteria provided. Collection method: clinical testing. Allele origin: biparental. Inheritance: Autosomal recessive inheritance. Affected: yes. Observed: 1 homozygote.
Comment: Loss-of-function variants in IGHMBP2 are known to be pathogenic and we have therefore classified it as pathogenic.

Inherited Neuropathy Consortium
Classification: Uncertain significance for Autosomal dominant distal hereditary motor neuropathy. Review status: no assertion criteria provided. Collection method: literature only. Allele origin: germline. Affected: yes.

Literature cited by the submitters: PubMed 14681881 (cited by Inherited Neuropathy Consortium).